The following is an entry in ClinVar:

NM_001377.3(DYNC2H1):c.1575C>G (p.Asp525Glu)

Gene: DYNC2H1 (dynein cytoplasmic 2 heavy chain 1; plus strand). Cytogenetic location: 11q22.3.
Variant type: single nucleotide variant.
Coding change: c.1575C>G on transcript NM_001377.3 (MANE Select); coding-DNA position 1575, C replaced by G.
Protein change: p.Asp525Glu; replaces aspartic acid 525 with glutamic acid.
Molecular consequence: missense variant.
Genome position (GRCh38, 1-based): chr11:103,122,914, C>G. VCF-style: chr11-103122914-C-G. GRCh37 (hg19) VCF-style: chr11-102993643-C-G.
Other names: c.1575C>G, p.Asp525Glu (NM_001080463.2); short protein forms D525E.
Identifiers: ClinVar variation 3086469 (VCV003086469.2), dbSNP rs755764054, ClinGen allele CA6252816.

ClinVar aggregate classification (germline): Uncertain significance. Review status: criteria provided, multiple submitters, no conflicts (2 of 4 stars). 2 submissions from 2 submitters: Uncertain significance (2). Last evaluated 2025-08-01.

Conditions:
DYNC2H1-related disorder. Also called: DYNC2H1-related condition; DYNC2H1-related disorders. Identifiers: MedGen CN378770.
Inborn genetic diseases. Identifiers: MedGen C0950123, MeSH D030342.

Allele frequency attached by ClinVar (database versions not stated): ExAC 0.00002; TOPMed 0.00003.
gnomAD v4.1: 6 of 1,612,550 alleles (0.00037%); highest among the groups gnomAD compares: Non-Finnish European, 0.00034%; no homozygotes.

Submissions (2):

PreventionGenetics, part of Exact Sciences
Classification: Uncertain significance for DYNC2H1-related condition. Last evaluated: 2025-08-01. Review status: criteria provided, single submitter. Criteria: ACMG Guidelines, 2015. Collection method: clinical testing. Allele origin: germline.
Comment: The DYNC2H1 c.1575C>G variant is predicted to result in the amino acid substitution p.Asp525Glu. To our knowledge, this variant has not been reported in the literature. This variant is reported in 0.0018% of alleles in individuals of European (Non-Finnish) descent in gnomAD. At this time, the clinical significance of this variant is uncertain due to the absence of conclusive functional and genetic evidence.

Ambry Genetics
Classification: Uncertain significance for Inborn genetic diseases. Last evaluated: 2023-10-30. Review status: criteria provided, single submitter. Criteria: Ambry Variant Classification Scheme 2023. Collection method: clinical testing. Allele origin: germline.